The following is an entry in ClinVar:

ClinVar aggregate classification (germline): Uncertain significance (1 of 4 stars; one submission).

Conditions:
Majeed syndrome (MJDS). Also called: CHRONIC RECURRENT MULTIFOCAL OSTEOMYELITIS 1, WITH CONGENITAL DYSERYTHROPOIETIC ANEMIA, WITH OR WITHOUT NEUTROPHILIC DERMATOSIS; LPIN2-Related Majeed Syndrome. Identifiers: Orphanet 77297, MedGen C1864997, MONDO:0012316, OMIM 609628.

Submission:

Labcorp Genetics (formerly Invitae), Labcorp
Classification: Uncertain significance for Majeed syndrome. Last evaluated: 2024-11-04. Review status: criteria provided, single submitter. Criteria: Invitae Variant Classification Sherloc (09022015). Collection method: clinical testing. Allele origin: germline.
Comment: This sequence change replaces cysteine, which is neutral and slightly polar, with tyrosine, which is neutral and polar, at codon 181 of the LPIN2 protein (p.Cys181Tyr). This variant is not present in population databases (gnomAD no frequency). This variant has not been reported in the literature in individuals affected with LPIN2-related conditions. ClinVar contains an entry for this variant (Variation ID: 1955517). Invitae Evidence Modeling of protein sequence and biophysical properties (such as structural, functional, and spatial information, amino acid conservation, physicochemical variation, residue mobility, and thermodynamic stability) indicates that this missense variant is not expected to disrupt LPIN2 protein function with a negative predictive value of 80%. In summary, the available evidence is currently insufficient to determine the role of this variant in disease. Therefore, it has been classified as a Variant of Uncertain Significance.

NM_001375808.2(LPIN2):c.542G>A (p.Cys181Tyr)

Gene: LPIN2 (lipin 2; minus strand). Cytogenetic location: 18p11.31.
Variant type: single nucleotide variant.
Coding change: c.542G>A on transcript NM_001375808.2 (MANE Select); coding-DNA position 542, G replaced by A.
Protein change: p.Cys181Tyr; replaces cysteine 181 with tyrosine.
Molecular consequence: missense variant.
Genome position (GRCh38, 1-based): chr18:2,951,103, C>T on the plus strand (G>A on the coding strand, the complement: LPIN2 is on the minus strand). VCF-style: chr18-2951103-C-T. GRCh37 (hg19) VCF-style: chr18-2951101-C-T.
Other names: c.542G>A, p.Cys181Tyr (NM_001375809.1, NM_014646.2); short protein forms C181Y.
Identifiers: ClinVar variation 1955517 (VCV001955517.5), dbSNP rs2510282687, ClinGen allele CA401708841.